The following is an entry in ClinVar:

NM_002471.4(MYH6):c.2854C>T (p.Leu952Phe)

Gene: MYH6 (myosin heavy chain 6; minus strand). Cytogenetic location: 14q11.2.
Variant type: single nucleotide variant.
Coding change: c.2854C>T on transcript NM_002471.4 (MANE Select); coding-DNA position 2854, C replaced by T.
Protein change: p.Leu952Phe; replaces leucine 952 with phenylalanine.
Molecular consequence: missense variant.
Genome position (GRCh38, 1-based): chr14:23,393,740, G>A on the plus strand (C>T on the coding strand, the complement: MYH6 is on the minus strand). VCF-style: chr14-23393740-G-A. GRCh37 (hg19) VCF-style: chr14-23862949-G-A.
Other names: short protein forms L952F.
Identifiers: ClinVar variation 1796877 (VCV001796877.5), dbSNP rs2502170243, ClinGen allele CA389012159.

ClinVar aggregate classification (germline): Uncertain significance. Review status: criteria provided, multiple submitters, no conflicts (2 of 4 stars). 2 submissions from 2 submitters: Uncertain significance (2). Last evaluated 2025-09-20.

Conditions:
Cardiovascular phenotype. Identifiers: MedGen CN230736.
Hypertrophic cardiomyopathy 14. Identifiers: MedGen C2750467, MONDO:0013197, OMIM 613251.

Submissions (2):

Labcorp Genetics (formerly Invitae), Labcorp
Classification: Uncertain significance for Hypertrophic cardiomyopathy 14. Last evaluated: 2025-09-20. Review status: criteria provided, single submitter. Criteria: Invitae Variant Classification Sherloc (09022015). Collection method: clinical testing. Allele origin: germline.
Comment: This sequence change replaces leucine, which is neutral and non-polar, with phenylalanine, which is neutral and non-polar, at codon 952 of the MYH6 protein (p.Leu952Phe). This variant is not present in population databases (gnomAD no frequency). This variant has not been reported in the literature in individuals affected with MYH6-related conditions. ClinVar contains an entry for this variant (Variation ID: 1796877). Invitae Evidence Modeling of protein sequence and biophysical properties (such as structural, functional, and spatial information, amino acid conservation, physicochemical variation, residue mobility, and thermodynamic stability) indicates that this missense variant is expected to disrupt MYH6 protein function with a positive predictive value of 80%. In summary, the available evidence is currently insufficient to determine the role of this variant in disease. Therefore, it has been classified as a Variant of Uncertain Significance.

Ambry Genetics
Classification: Uncertain significance for Cardiovascular phenotype. Last evaluated: 2022-01-17. Review status: criteria provided, single submitter. Criteria: Ambry Variant Classification Scheme 2023. Collection method: clinical testing. Allele origin: germline.
Comment: The p.L952F variant (also known as c.2854C>T), located in coding exon 20 of the MYH6 gene, results from a C to T substitution at nucleotide position 2854. The leucine at codon 952 is replaced by phenylalanine, an amino acid with highly similar properties. This amino acid position is conserved. In addition, this alteration is predicted to be deleterious by in silico analysis. Since supporting evidence is limited at this time, the clinical significance of this alteration remains unclear.